The following is an entry in ClinVar:

NM_005253.4(FOSL2):c.88G>A (p.Gly30Ser)

Genes: FOSL2 (FOS like 2, AP-1 transcription factor subunit; plus strand), FOSL2-AS1 (FOSL2 antisense RNA 1; minus strand). Cytogenetic location: 2p23.2.
Variant type: single nucleotide variant.
Coding change: c.88G>A on transcript NM_005253.4 (MANE Select); coding-DNA position 88, G replaced by A.
Protein change: p.Gly30Ser; replaces glycine 30 with serine.
Molecular consequence: missense variant.
Genome position (GRCh38, 1-based): chr2:28,393,808, G>A. VCF-style: chr2-28393808-G-A. GRCh37 (hg19) VCF-style: chr2-28616675-G-A.
Other names: short protein forms G30S.
Identifiers: ClinVar variation 3902770 (VCV003902770.1).

ClinVar aggregate classification (germline): Uncertain significance (1 of 4 stars; one submission).

gnomAD v4.1: 5 of 1,598,484 alleles (0.00031%); highest among the groups gnomAD compares: Admixed American, 0.0085%; no homozygotes.

Submission:

Women's Health and Genetics/Laboratory Corporation of America, LabCorp
Classification: Uncertain significance. Last evaluated: 2025-05-21. Review status: criteria provided, single submitter. Criteria: LabCorp Variant Classification Summary - May 2015. Collection method: clinical testing. Allele origin: germline.
Comment: Variant summary: FOSL2 c.88G>A (p.Gly30Ser) results in a non-conservative amino acid change in the encoded protein sequence. Algorithms developed to predict the effect of missense changes on protein structure and function are either unavailable or do not agree on the potential impact of this missense change. The variant allele was found at a frequency of 4.7e-06 in 213414 control chromosomes. The available data on variant occurrences in the general population are insufficient to allow any conclusion about variant significance. To our knowledge, no occurrence of c.88G>A in individuals affected with Aplasia Cutis-Enamel Dysplasia Syndrome and no experimental evidence demonstrating its impact on protein function have been reported. No submitters have cited clinical-significance assessments for this variant to ClinVar. Based on the evidence outlined above, the variant was classified as uncertain significance.